The following is an entry in ClinVar:

ClinVar aggregate classification (germline): Likely pathogenic (1 of 4 stars; one submission).

Conditions:
Familial adenomatous polyposis 1 (FAP1). Also called: POLYPOSIS, ADENOMATOUS INTESTINAL; FAMILIAL ADENOMATOUS POLYPOSIS 1, ATTENUATED. Identifiers: MedGen C2713442, MONDO:0021056, OMIM 175100. Disease mechanism: loss of function.

Submission:

Labcorp Genetics (formerly Invitae), Labcorp
Classification: Likely pathogenic for Familial adenomatous polyposis 1. Last evaluated: 2022-07-19. Review status: criteria provided, single submitter. Criteria: Invitae Variant Classification Sherloc (09022015). Collection method: clinical testing. Allele origin: unknown.
Comment: This variant has not been reported in the literature in individuals affected with APC-related conditions. In summary, the currently available evidence indicates that the variant is pathogenic, but additional data are needed to prove that conclusively. Therefore, this variant has been classified as Likely Pathogenic. There are several predicted outcomes of this tandem duplication on APC protein function. While APC expression may occur in the duplicated region containing promoter 1A, it is more likely to be expressed from the original region also containing promoter 1B, which has been shown to drive higher levels of APC expression (PMID: 21643010). Therefore, the duplicated copy likely results in an absent or disrupted protein product. Experimental studies have not been tested for this variant. This variant results in a copy number gain of the genomic region encompassing promoter 1A, exons 2-7, and the first 32 nucleotides of exon 8 of the APC gene (c.-1843_761dup). The duplicated copy of this region is in tandem This region includes the initiator codon of the gene. This copy number gain extends beyond the assayed region for this gene and therefore may encompass additional genes. As the precise location of this event is unknown, it may be in tandem or it may be located elsewhere in the genome.

Literature cited by the submitters: PubMed 21643010.

NC_000005.9:g.(?_112071797)_(112137006_?)dup

Gene: APC (APC regulator of Wnt signaling pathway; plus strand). Cytogenetic location: 5q22.2.
Variant type: Duplication.
Identifiers: ClinVar variation 3246391 (VCV003246391.1).